The following is an entry in ClinVar:

NM_001430.5(EPAS1):c.1288G>T (p.Ala430Ser)

Gene: EPAS1 (endothelial PAS domain protein 1; plus strand). Cytogenetic location: 2p21.
Variant type: single nucleotide variant.
Coding change: c.1288G>T on transcript NM_001430.5 (MANE Select); coding-DNA position 1288, G replaced by T.
Protein change: p.Ala430Ser; replaces alanine 430 with serine.
Molecular consequence: missense variant.
Genome position (GRCh38, 1-based): chr2:46,377,932, G>T. VCF-style: chr2-46377932-G-T. GRCh37 (hg19) VCF-style: chr2-46605071-G-T.
Other names: short protein forms A430S.
Identifiers: ClinVar variation 2450303 (VCV002450303.2), dbSNP rs753295105, ClinGen allele CA1644944.

ClinVar aggregate classification (germline): Uncertain significance (1 of 4 stars; one submission).

Conditions:
Inborn genetic diseases. Identifiers: MedGen C0950123, MeSH D030342.

Submission:

Ambry Genetics
Classification: Uncertain significance for Inborn genetic diseases. Last evaluated: 2022-12-14. Review status: criteria provided, single submitter. Criteria: Ambry Variant Classification Scheme 2023. Collection method: clinical testing. Allele origin: germline.
Comment: The p.A430S variant (also known as c.1288G>T), located in coding exon 10 of the EPAS1 gene, results from a G to T substitution at nucleotide position 1288. The alanine at codon 430 is replaced by serine, an amino acid with similar properties. This amino acid position is conserved. In addition, this alteration is predicted to be tolerated by in silico analysis. Since supporting evidence is limited at this time, the clinical significance of this alteration remains unclear.